The following is an entry in ClinVar:

NM_001346754.2(PIGW):c.308G>T (p.Cys103Phe)

Genes: MYO19 (myosin XIX; minus strand), PIGW (phosphatidylinositol glycan anchor biosynthesis class W; plus strand). Cytogenetic location: 17q12.
Variant type: single nucleotide variant.
Coding change: c.308G>T on transcript NM_001346754.2 (MANE Select); coding-DNA position 308, G replaced by T.
Protein change: p.Cys103Phe; replaces cysteine 103 with phenylalanine.
Molecular consequence: missense variant.
Genome position (GRCh38, 1-based): chr17:36,537,409, G>T. VCF-style: chr17-36537409-G-T. GRCh37 (hg19) VCF-style: chr17-34893258-G-T.
Other names: c.308G>T, p.Cys103Phe (NM_001346755.2, NM_178517.5); short protein forms C103F.
Identifiers: ClinVar variation 1387877 (VCV001387877.3), dbSNP rs2142615234, ClinGen allele CA399162397.

ClinVar aggregate classification (germline): Uncertain significance (1 of 4 stars; one submission).

Conditions:
Hyperphosphatasia with intellectual disability syndrome 5 (GPIBD11). Also called: GLYCOSYLPHOSPHATIDYLINOSITOL BIOSYNTHESIS DEFECT 11. Identifiers: Orphanet 247262, MedGen C4014958, MONDO:0014457, OMIM 616025.

Submission:

Labcorp Genetics (formerly Invitae), Labcorp
Classification: Uncertain significance for Hyperphosphatasia with intellectual disability syndrome 5. Last evaluated: 2021-12-02. Review status: criteria provided, single submitter. Criteria: Invitae Variant Classification Sherloc (09022015). Collection method: clinical testing. Allele origin: germline.
Comment: This sequence change replaces cysteine, which is neutral and slightly polar, with phenylalanine, which is neutral and non-polar, at codon 103 of the PIGW protein (p.Cys103Phe). This variant is not present in population databases (gnomAD no frequency). This variant has not been reported in the literature in individuals affected with PIGW-related conditions. Algorithms developed to predict the effect of missense changes on protein structure and function (SIFT, PolyPhen-2, Align-GVGD) all suggest that this variant is likely to be tolerated. In summary, the available evidence is currently insufficient to determine the role of this variant in disease. Therefore, it has been classified as a Variant of Uncertain Significance.